The following is an entry in ClinVar:

ClinVar aggregate classification (germline): Benign (1 of 4 stars; one submission).

Conditions:
Hereditary cancer-predisposing syndrome. Also called: Tumor predisposition; Hereditary Cancer Syndrome; Hereditary neoplastic syndrome; Neoplastic Syndromes, Hereditary. Identifiers: Orphanet 140162, MedGen C0027672, MeSH D009386, MONDO:0015356.

Submission:

GeneDx
Classification: Benign for Neoplastic Syndromes, Hereditary. Last evaluated: 2014-01-31. Review status: criteria provided, single submitter. Criteria: GeneDx Variant Classification (06012015). Collection method: clinical testing. Allele origin: germline. Affected: yes.
Comment: The variant is found in BR-OV-HEREDIC panel(s).

NM_000465.2:c.365-8insT

Gene: BARD1 (BRCA1 associated RING domain 1; minus strand). Cytogenetic location: 2q35.
Variant type: Insertion.
Identifiers: ClinVar variation 182025 (VCV000182025.1).